The following is an entry in ClinVar:

NM_000368.5(TSC1):c.2861T>A (p.Ile954Lys)

Gene: TSC1 (TSC complex subunit 1; minus strand). Cytogenetic location: 9q34.13.
Variant type: single nucleotide variant.
Coding change: c.2861T>A on transcript NM_000368.5 (MANE Select); coding-DNA position 2861, T replaced by A.
Protein change: p.Ile954Lys; replaces isoleucine 954 with lysine.
Molecular consequence: missense variant.
Genome position (GRCh38, 1-based): chr9:132,897,298, A>T on the plus strand (T>A on the coding strand, the complement: TSC1 is on the minus strand). VCF-style: chr9-132897298-A-T. GRCh37 (hg19) VCF-style: chr9-135772685-A-T.
Other names: c.2858T>A, p.Ile953Lys (NM_001162426.2); c.2708T>A, p.Ile903Lys (NM_001162427.2); c.2498T>A, p.Ile833Lys (NM_001362177.2); short protein forms I833K, I903K, I953K, I954K.
Identifiers: ClinVar variation 1349678 (VCV001349678.8), dbSNP rs1845129125, ClinGen allele CA375368846.

ClinVar aggregate classification (germline): Uncertain significance. Review status: criteria provided, multiple submitters, no conflicts (2 of 4 stars). 2 submissions from 2 submitters: Uncertain significance (2). Last evaluated 2024-03-26.

Conditions:
Tuberous sclerosis 1 (TSC1). Identifiers: Orphanet 805, MedGen C1854465, MONDO:0008612, OMIM 191100.
Hereditary cancer-predisposing syndrome. Also called: Hereditary Cancer Syndrome; Neoplastic Syndromes, Hereditary; Tumor predisposition; Hereditary neoplastic syndrome. Identifiers: Orphanet 140162, MedGen C0027672, MeSH D009386, MONDO:0015356.

Submissions (2):

Labcorp Genetics (formerly Invitae), Labcorp
Classification: Uncertain significance for Tuberous sclerosis 1. Last evaluated: 2024-03-26. Review status: criteria provided, single submitter. Criteria: Invitae Variant Classification Sherloc (09022015). Collection method: clinical testing. Allele origin: germline.
Comment: This sequence change replaces isoleucine, which is neutral and non-polar, with lysine, which is basic and polar, at codon 954 of the TSC1 protein (p.Ile954Lys). This variant is not present in population databases (gnomAD no frequency). This variant has not been reported in the literature in individuals affected with TSC1-related conditions. ClinVar contains an entry for this variant (Variation ID: 1349678). Advanced modeling of protein sequence and biophysical properties (such as structural, functional, and spatial information, amino acid conservation, physicochemical variation, residue mobility, and thermodynamic stability) performed at Invitae indicates that this missense variant is not expected to disrupt TSC1 protein function with a negative predictive value of 95%. Experimental studies have shown that this missense change affects TSC1 function (PMID: 24714658). In summary, the available evidence is currently insufficient to determine the role of this variant in disease. Therefore, it has been classified as a Variant of Uncertain Significance.

Ambry Genetics
Classification: Uncertain significance for Hereditary cancer-predisposing syndrome. Last evaluated: 2022-04-02. Review status: criteria provided, single submitter. Criteria: Ambry Variant Classification Scheme 2023. Collection method: clinical testing. Allele origin: germline.
Comment: The p.I954K variant (also known as c.2861T>A), located in coding exon 20 of the TSC1 gene, results from a T to A substitution at nucleotide position 2861. The isoleucine at codon 954 is replaced by lysine, an amino acid with dissimilar properties. This amino acid position is conserved. In addition, this alteration is predicted to be deleterious by in silico analysis. Since supporting evidence is limited at this time, the clinical significance of this alteration remains unclear.

Literature cited by the submitters: PubMed 24714658 (cited by Labcorp Genetics (formerly Invitae), Labcorp).